The following is an entry in ClinVar:

ClinVar aggregate classification (germline): Uncertain significance. Review status: criteria provided, multiple submitters, no conflicts (2 of 4 stars). 2 submissions from 2 submitters: Uncertain significance (2). Last evaluated 2024-11-20.

Conditions:
Inborn genetic diseases. Identifiers: MedGen C0950123, MeSH D030342.
Charcot-Marie-Tooth disease axonal type 2P. Also called: Charcot-Marie-Tooth Neuropathy Type 2G; CHARCOT-MARIE-TOOTH NEUROPATHY, TYPE 2P; CHARCOT-MARIE-TOOTH DISEASE, AXONAL, TYPE 2G; CMT 2G. Identifiers: Orphanet 300319, Orphanet 99941, MedGen C3280797, MONDO:0013753, OMIM 614436.

Allele frequency attached by ClinVar (database versions not stated): TOPMed 0.00001; gnomAD 0.00002 and 0.00003; ExAC 0.00004; gnomAD exomes 0.00005; 1000 Genomes Project 30x 0.00016; 1000 Genomes Project 0.00020.
gnomAD v4.1: 48 of 1,612,764 alleles (0.003%); highest among the groups gnomAD compares: Middle Eastern, 0.017%; no homozygotes.

Submissions (2):

Ambry Genetics
Classification: Uncertain significance for Inborn genetic diseases. Last evaluated: 2024-11-20. Review status: criteria provided, single submitter. Criteria: Ambry Variant Classification Scheme 2023. Collection method: clinical testing. Allele origin: germline.

Labcorp Genetics (formerly Invitae), Labcorp
Classification: Uncertain significance for Charcot-Marie-Tooth disease axonal type 2P. Last evaluated: 2024-10-12. Review status: criteria provided, single submitter. Criteria: Invitae Variant Classification Sherloc (09022015). Collection method: clinical testing. Allele origin: germline.
Comment: This sequence change replaces arginine, which is basic and polar, with glutamine, which is neutral and polar, at codon 305 of the LRSAM1 protein (p.Arg305Gln). This variant is present in population databases (rs201329646, gnomAD 0.01%). This variant has not been reported in the literature in individuals affected with LRSAM1-related conditions. ClinVar contains an entry for this variant (Variation ID: 1001853). Invitae Evidence Modeling of protein sequence and biophysical properties (such as structural, functional, and spatial information, amino acid conservation, physicochemical variation, residue mobility, and thermodynamic stability) indicates that this missense variant is not expected to disrupt LRSAM1 protein function with a negative predictive value of 80%. In summary, the available evidence is currently insufficient to determine the role of this variant in disease. Therefore, it has been classified as a Variant of Uncertain Significance.

NM_001005373.4(LRSAM1):c.914G>A (p.Arg305Gln)

Gene: LRSAM1 (leucine rich repeat and sterile alpha motif containing 1; plus strand). Cytogenetic location: 9q33.3.
Variant type: single nucleotide variant.
Coding change: c.914G>A on transcript NM_001005373.4 (MANE Select); coding-DNA position 914, G replaced by A.
Protein change: p.Arg305Gln; replaces arginine 305 with glutamine.
Molecular consequence: missense variant. On other transcripts: non-coding transcript variant (2).
Genome position (GRCh38, 1-based): chr9:127,479,849, G>A. VCF-style: chr9-127479849-G-A. GRCh37 (hg19) VCF-style: chr9-130242128-G-A.
Other names: c.914G>A (NM_138361.4); c.914G>A, p.Arg305Gln (NM_001005374.4, NM_001190723.3, NM_001384142.1 and 2 more transcripts); c.125G>A, p.Arg42Gln (NM_001384144.1); short protein forms R305Q, R42Q.
Identifiers: ClinVar variation 1001853 (VCV001001853.10), dbSNP rs201329646, ClinGen allele CA5246761.
Genomic context (GRCh38, chr9:127,479,849, plus strand): 5'-CGGCGTCTGAGGGGGTCCCAGGGGCTCAGGACCCCTACCTCCGGCTGCAGGAGCAGTCCC[G>A]GCTGGAGCAGGGCCTGAGTGAGCACCAGCGCCACCTCAACGCAGAGCGGCAGCGGCTGCA-3'
Protein context (NP_001005373.1, residues 295-315): ILQTVKEEQS[Arg305Gln]LEQGLSEHQR